The following is an entry in ClinVar:

NM_012144.4(DNAI1):c.676A>C (p.Asn226His)

Gene: DNAI1 (dynein axonemal intermediate chain 1; plus strand). Cytogenetic location: 9p13.3.
Variant type: single nucleotide variant.
Coding change: c.676A>C on transcript NM_012144.4 (MANE Select); coding-DNA position 676, A replaced by C.
Protein change: p.Asn226His; replaces asparagine 226 with histidine.
Molecular consequence: missense variant.
Genome position (GRCh38, 1-based): chr9:34,491,549, A>C. VCF-style: chr9-34491549-A-C. GRCh37 (hg19) VCF-style: chr9-34491547-A-C.
Other names: c.688A>C, p.Asn230His (NM_001281428.2); c.676A>C (NM_012144.2); short protein forms N226H, N230H.
Identifiers: ClinVar variation 912501 (VCV000912501.11), dbSNP rs769349211, ClinGen allele CA5034144.

ClinVar aggregate classification (germline): Uncertain significance. Review status: criteria provided, multiple submitters, no conflicts (2 of 4 stars). 3 submissions from 3 submitters: Uncertain significance (3). Last evaluated 2023-06-22.

Conditions:
Primary ciliary dyskinesia. Also called: Ciliary dyskinesia. Identifiers: Orphanet 244, MedGen C0008780, MONDO:0016575, HP:0012265.
Kartagener syndrome (CILD1). Also called: CILIARY DYSKINESIA, PRIMARY, 1; SIEWERT SYNDROME; Dextrocardia bronchiectasis and sinusitis; CILIARY DYSKINESIA, PRIMARY, 1, WITH OR WITHOUT SITUS INVERSUS; IMMOTILE CILIA SYNDROME; POLYNESIAN BRONCHIECTASIS. Identifiers: Orphanet 244, MedGen C4551906, MONDO:0009484, OMIM 244400.

Allele frequency attached by ClinVar (database versions not stated): gnomAD 0.00001; gnomAD exomes 0.00001; TOPMed 0.00001; ExAC 0.00002.
gnomAD v4.1: 64 of 1,614,062 alleles (0.004%); highest among the groups gnomAD compares: East Asian, 0.14%; no homozygotes.

Submissions (3):

Ambry Genetics
Classification: Uncertain significance for Primary ciliary dyskinesia. Last evaluated: 2023-06-22. Review status: criteria provided, single submitter. Criteria: Ambry Variant Classification Scheme 2023. Collection method: clinical testing. Allele origin: germline.

Labcorp Genetics (formerly Invitae), Labcorp
Classification: Uncertain significance for Primary ciliary dyskinesia. Last evaluated: 2021-08-28. Review status: criteria provided, single submitter. Criteria: Invitae Variant Classification Sherloc (09022015). Collection method: clinical testing. Allele origin: germline.
Comment: This sequence change replaces asparagine with histidine at codon 226 of the DNAI1 protein (p.Asn226His). The asparagine residue is moderately conserved and there is a small physicochemical difference between asparagine and histidine. This variant is present in population databases (rs769349211, ExAC 0.02%). This variant has not been reported in the literature in individuals affected with DNAI1-related conditions. Algorithms developed to predict the effect of missense changes on protein structure and function are either unavailable or do not agree on the potential impact of this missense change (SIFT: "Tolerated"; PolyPhen-2: "Possibly Damaging"; Align-GVGD: "Class C0"). In summary, the available evidence is currently insufficient to determine the role of this variant in disease. Therefore, it has been classified as a Variant of Uncertain Significance.

Illumina Laboratory Services, Illumina
Classification: Uncertain significance for Kartagener syndrome. Last evaluated: 2018-01-13. Review status: criteria provided, single submitter. Criteria: ICSL Variant Classification Criteria 13 December 2019. Collection method: clinical testing. Allele origin: germline.